The following is an entry in ClinVar:

NM_001134831.2(AHI1):c.2849G>A (p.Cys950Tyr)

Gene: AHI1 (Abelson helper integration site 1; minus strand). Cytogenetic location: 6q23.3.
Variant type: single nucleotide variant.
Coding change: c.2849G>A on transcript NM_001134831.2 (MANE Select); coding-DNA position 2849, G replaced by A.
Protein change: p.Cys950Tyr; replaces cysteine 950 with tyrosine.
Molecular consequence: missense variant.
Genome position (GRCh38, 1-based): chr6:135,411,460, C>T on the plus strand (G>A on the coding strand, the complement: AHI1 is on the minus strand). VCF-style: chr6-135411460-C-T. GRCh37 (hg19) VCF-style: chr6-135732598-C-T.
Other names: c.2849G>A, p.Cys950Tyr (NM_001134830.2, NM_001134832.2, NM_001350503.2 and 2 more transcripts); short protein forms C950Y.
Identifiers: ClinVar variation 3367358 (VCV003367358.1).

ClinVar aggregate classification (germline): Uncertain significance (1 of 4 stars; one submission).

gnomAD v4.1: 1 of 1,613,570 alleles (0.000062%); highest among the groups gnomAD compares: Non-Finnish European, 0.000085%; no homozygotes.

Submission:

GeneDx
Classification: Uncertain significance. Last evaluated: 2024-01-02. Review status: criteria provided, single submitter. Criteria: GeneDx Variant Classification Process June 2021. Collection method: clinical testing. Allele origin: germline. Affected: yes.
Comment: Not observed at significant frequency in large population cohorts (gnomAD); In silico analysis supports that this missense variant does not alter protein structure/function; Has not been previously published as pathogenic or benign to our knowledge